The following is an entry in ClinVar:

ClinVar aggregate classification (germline): Benign/Likely benign. Review status: criteria provided, multiple submitters, no conflicts (2 of 4 stars). 9 submissions from 9 submitters: Benign (2); Likely benign (6). 1 of the submissions does not count toward it. Last evaluated 2026-03-01.

Conditions:
ANKRD11-related disorder. Also called: ANKRD11-related condition.
KBG syndrome (KBGS). Also called: ANKRD11-Related KBG Syndrome. Identifiers: Orphanet 2332, MedGen C0220687, MONDO:0007846, OMIM 148050.
Inborn genetic diseases. Identifiers: MedGen C0950123, MeSH D030342.

Allele frequency attached by ClinVar (database versions not stated): TOPMed 0.00017.
gnomAD v4.1: 261 of 1,609,926 alleles (0.016%); highest among the groups gnomAD compares: Middle Eastern, 0.033%; 1 homozygote.

Submissions (9):

CeGaT Center for Human Genetics Tuebingen
Classification: Likely benign. Last evaluated: 2026-03-01. Review status: criteria provided, single submitter. Criteria: CeGaT Center For Human Genetics Tuebingen Variant Classification Criteria Version 2. Collection method: clinical testing. Allele origin: germline. Affected: yes. Observed: 2 variant alleles.
Comment: ANKRD11: BP4, BP7

Labcorp Genetics (formerly Invitae), Labcorp
Classification: Likely benign for KBG syndrome. Last evaluated: 2025-07-06. Review status: criteria provided, single submitter. Criteria: Invitae Variant Classification Sherloc (09022015). Collection method: clinical testing. Allele origin: germline.

Blueprint Genetics
Classification: Likely benign. Last evaluated: 2024-11-26. Review status: criteria provided, single submitter. Criteria: ACMG Guidelines, 2015. Collection method: clinical testing. Allele origin: germline.

Genome-Nilou Lab
Classification: Benign for KBG syndrome. Last evaluated: 2021-12-05. Review status: criteria provided, single submitter. Criteria: ACMG Guidelines, 2015. Collection method: clinical testing. Allele origin: germline. Affected: no.

GeneDx
Classification: Likely benign. Last evaluated: 2020-02-27. Review status: criteria provided, single submitter. Criteria: GeneDx Variant Classification Process June 2021. Collection method: clinical testing. Allele origin: germline. Affected: yes.

Ambry Genetics
Classification: Likely benign for Inborn genetic diseases. Last evaluated: 2019-11-21. Review status: criteria provided, single submitter. Criteria: Ambry Variant Classification Scheme 2023. Collection method: clinical testing. Allele origin: germline.

Athena Diagnostics
Classification: Benign. Last evaluated: 2019-06-28. Review status: criteria provided, single submitter. Criteria: Athena Diagnostics Criteria. Collection method: clinical testing. Allele origin: germline.

Breakthrough Genomics
Classification: Likely benign. Review status: criteria provided, single submitter. Criteria: ACMG Guidelines, 2015. Collection method: not provided. Allele origin: germline. Inheritance: Autosomal dominant inheritance. Affected: yes.

PreventionGenetics, part of Exact Sciences
Classification: Likely benign for ANKRD11-related condition. Last evaluated: 2023-05-27. Review status: no assertion criteria provided. Collection method: clinical testing. Allele origin: germline. Not counted in ClinVar's aggregate classification.
Comment: This variant is classified as likely benign based on ACMG/AMP sequence variant interpretation guidelines (Richards et al. 2015 PMID: 25741868, with internal and published modifications).

NM_013275.6(ANKRD11):c.6597C>G (p.Leu2199=)

Gene: ANKRD11 (ankyrin repeat domain 11; minus strand). Cytogenetic location: 16q24.3.
Variant type: single nucleotide variant.
Coding change: c.6597C>G on transcript NM_013275.6 (MANE Select); coding-DNA position 6597, C replaced by G.
Protein change: p.Leu2199=; no amino-acid change (leucine 2199 retained).
Molecular consequence: synonymous variant.
Genome position (GRCh38, 1-based): chr16:89,279,945, G>C on the plus strand (C>G on the coding strand, the complement: ANKRD11 is on the minus strand). VCF-style: chr16-89279945-G-C. GRCh37 (hg19) VCF-style: chr16-89346353-G-C.
Other names: c.6597C>G (NM_013275.4); c.6597C>G, p.Leu2199= (NM_001256182.2, NM_001256183.2).
Identifiers: ClinVar variation 766806 (VCV000766806.46), dbSNP rs762643863, ClinGen allele CA8241389.